The following is an entry in ClinVar:

ClinVar aggregate classification (germline): Uncertain significance. Review status: criteria provided, multiple submitters, no conflicts (2 of 4 stars). 5 submissions from 5 submitters: Uncertain significance (5). Last evaluated 2025-06-30.

Conditions:
Hereditary cancer-predisposing syndrome. Also called: Tumor predisposition; Hereditary Cancer Syndrome; Hereditary neoplastic syndrome; Neoplastic Syndromes, Hereditary. Identifiers: Orphanet 140162, MedGen C0027672, MeSH D009386, MONDO:0015356.
Hereditary breast ovarian cancer syndrome. Also called: Breast and ovarian cancer; Hereditary breast and ovarian cancer; Hereditary breast and/or ovarian cancer syndrome; BRCA1- and BRCA2-Associated Hereditary Breast and Ovarian Cancer; Hereditary breast and ovarian cancer syndrome (HBOC); Hereditary breast and ovarian cancer syndrome. Identifiers: Orphanet 145, MedGen C0677776, MeSH D061325, MONDO:0003582. Disease mechanism: loss of function.
Familial cancer of breast. Also called: BREAST CANCER, FAMILIAL; Hereditary breast cancer; hereditary breast carcinoma. Identifiers: Orphanet 227535, MedGen C0346153, MONDO:0016419, OMIM 114480. Disease mechanism: loss of function.

Submissions (5):

Labcorp Genetics (formerly Invitae), Labcorp
Classification: Uncertain significance for Hereditary breast ovarian cancer syndrome. Last evaluated: 2025-06-30. Review status: criteria provided, single submitter. Criteria: Invitae Variant Classification Sherloc (09022015). Collection method: clinical testing. Allele origin: germline.
Comment: This sequence change replaces lysine, which is basic and polar, with arginine, which is basic and polar, at codon 2570 of the BRCA2 protein (p.Lys2570Arg). This variant is not present in population databases (gnomAD no frequency). This variant has not been reported in the literature in individuals affected with BRCA2-related conditions. ClinVar contains an entry for this variant (Variation ID: 182244). Invitae Evidence Modeling of protein sequence and biophysical properties (such as structural, functional, and spatial information, amino acid conservation, physicochemical variation, residue mobility, and thermodynamic stability) indicates that this missense variant is not expected to disrupt BRCA2 protein function with a negative predictive value of 95%. RNA analysis performed to evaluate the impact of this missense change on mRNA splicing indicates it does not significantly alter splicing (internal data). In summary, the available evidence is currently insufficient to determine the role of this variant in disease. Therefore, it has been classified as a Variant of Uncertain Significance.

Baylor Genetics
Classification: Uncertain significance for Familial cancer of breast. Last evaluated: 2023-12-23. Review status: criteria provided, single submitter. Criteria: ACMG Guidelines, 2015. Collection method: clinical testing. Allele origin: unknown.

Ambry Genetics
Classification: Uncertain significance for Hereditary cancer-predisposing syndrome. Last evaluated: 2023-12-14. Review status: criteria provided, single submitter. Criteria: Ambry Variant Classification Scheme 2023. Collection method: clinical testing. Allele origin: germline.
Comment: The p.K2570R variant (also known as c.7709A>G), located in coding exon 15 of the BRCA2 gene, results from an A to G substitution at nucleotide position 7709. The lysine at codon 2570 is replaced by arginine, an amino acid with highly similar properties. This amino acid position is not well conserved in available vertebrate species. In addition, the in silico prediction for this alteration is inconclusive. Since supporting evidence is limited at this time, the clinical significance of this alteration remains unclear.

Quest Diagnostics Nichols Institute San Juan Capistrano
Classification: Uncertain significance. Last evaluated: 2023-05-08. Review status: criteria provided, single submitter. Criteria: Quest Diagnostics criteria. Collection method: clinical testing. Allele origin: unknown.
Comment: The variant has not been reported in the published literature. It also has not been reported in large, multi-ethnic general populations. Analysis of this variant using bioinformatics tools for the prediction of the effect of amino acid changes on protein structure and function yielded predictions that this variant is benign. Based on the available information, we are unable to determine the clinical significance of this variant.

GeneDx
Classification: Uncertain significance. Last evaluated: 2014-05-28. Review status: criteria provided, single submitter. Criteria: GeneDx Variant Classification (06012015). Collection method: clinical testing. Allele origin: germline. Affected: yes.
Comment: This variant is denoted BRCA2 c.7709A>G at the cDNA level, p.Lys2570Arg (K2570R) at the protein level, and results in the change of a Lysine to an Arginine (AAG>AGG). This variant has not, to our knowledge, been published in the literature as pathogenic or benign. BRCA2 Lys2570Arg was not observed in approximately 6,500 individuals of European and African American ancestry in the NHLBI Exome Sequencing Project, indicating it is not a common benign variant in these populations. Since Lysine and Arginine share similar properties, this is considered a conservative amino acid substitution. BRCA2 Lys2570Arg occurs at a position that is well conserved across species and is located in the DNA binding domain (Borg 2010). In addition, in silico analyses predict that this variant is unlikely to alter protein structure or function. Based on currently available information, it is unclear whether BRCA2 Lys2570Arg is pathogenic or benign. We consider it to be a variant of uncertain significance.

NM_000059.4(BRCA2):c.7709A>G (p.Lys2570Arg)

Gene: BRCA2 (BRCA2 DNA repair associated; plus strand). Cytogenetic location: 13q13.1.
Variant type: single nucleotide variant.
Coding change: c.7709A>G on transcript NM_000059.4 (MANE Select); coding-DNA position 7709, A replaced by G.
Protein change: p.Lys2570Arg; replaces lysine 2570 with arginine.
Molecular consequence: missense variant.
Genome position (GRCh38, 1-based): chr13:32,357,833, A>G. VCF-style: chr13-32357833-A-G. GRCh37 (hg19) VCF-style: chr13-32931970-A-G.
Other names: p.K2570R:AAG>AGG; short protein forms K2570R.
Identifiers: ClinVar variation 182244 (VCV000182244.21), dbSNP rs730881559, ClinGen allele CA025240.